The following is an entry in ClinVar:

NM_002693.3(POLG):c.863G>A (p.Arg288His)

Gene: POLG (DNA polymerase gamma, catalytic subunit; minus strand). Cytogenetic location: 15q26.1.
Variant type: single nucleotide variant.
Coding change: c.863G>A on transcript NM_002693.3 (MANE Select); coding-DNA position 863, G replaced by A.
Protein change: p.Arg288His; replaces arginine 288 with histidine.
Molecular consequence: missense variant.
Genome position (GRCh38, 1-based): chr15:89,329,103, C>T on the plus strand (G>A on the coding strand, the complement: POLG is on the minus strand). VCF-style: chr15-89329103-C-T. GRCh37 (hg19) VCF-style: chr15-89872334-C-T.
Other names: p.R288H:CGC>CAC; c.863G>A, p.Arg288His (NM_001126131.2); short protein forms R288H.
Identifiers: ClinVar variation 206587 (VCV000206587.12), dbSNP rs796052902, ClinGen allele CA316817.
Genomic context (GRCh38, chr15:89,329,103, plus strand): 5'-TGGAAGCTGCTTAGCCCTGAGATGGCCATGTGCATGCTCATGGTGTCCAGGAAACGCATG[C>T]GGGAACCCTGAGGAGGAGGAGGAGAAAAGGGAAGGGAAGGAGGGAGGCTGCAACTGTGGG-3'
Protein context (NP_002684.1, residues 278-298): IREQYLIQGS[Arg288His]MRFLDTMSMH

ClinVar aggregate classification (germline): Conflicting classifications of pathogenicity. Review status: criteria provided, conflicting classifications (1 of 4 stars). 5 submissions from 5 submitters: Uncertain significance (4); Likely benign (1). Last evaluated 2024-10-01.

Conditions:
Progressive sclerosing poliodystrophy (MTDPS4A). Also called: Alpers-Huttenlocher Syndrome; Mitochondrial DNA Depletion Syndrome 4A; ALPERS PROGRESSIVE INFANTILE POLIODYSTROPHY; ALPERS DIFFUSE DEGENERATION OF CEREBRAL GRAY MATTER WITH HEPATIC CIRRHOSIS; Alpers Syndrome; Alpers-Huttenlocher Syndrome (AHS). Identifiers: Orphanet 726, MedGen C0205710, MONDO:0008758, OMIM 203700.

Allele frequency attached by ClinVar (database versions not stated): gnomAD exomes 0.00001 and 0.00002; TOPMed 0.00003; gnomAD 0.00004.
gnomAD v4.1: 32 of 1,611,444 alleles (0.002%); highest among the groups gnomAD compares: Non-Finnish European, 0.0023%; no homozygotes.

Submissions (5):

Blueprint Genetics
Classification: Likely benign. Last evaluated: 2024-10-01. Review status: criteria provided, single submitter. Criteria: ACMG Guidelines, 2015. Collection method: clinical testing. Allele origin: germline.

Labcorp Genetics (formerly Invitae), Labcorp
Classification: Uncertain significance for Progressive sclerosing poliodystrophy. Last evaluated: 2024-03-19. Review status: criteria provided, single submitter. Criteria: Invitae Variant Classification Sherloc (09022015). Collection method: clinical testing. Allele origin: germline.
Comment: This sequence change replaces arginine, which is basic and polar, with histidine, which is basic and polar, at codon 288 of the POLG protein (p.Arg288His). The frequency data for this variant in the population databases is considered unreliable, as metrics indicate poor data quality at this position in the gnomAD database. This variant has not been reported in the literature in individuals affected with POLG-related conditions. ClinVar contains an entry for this variant (Variation ID: 206587). Advanced modeling of protein sequence and biophysical properties (such as structural, functional, and spatial information, amino acid conservation, physicochemical variation, residue mobility, and thermodynamic stability) performed at Invitae indicates that this missense variant is not expected to disrupt POLG protein function with a negative predictive value of 95%. In summary, the available evidence is currently insufficient to determine the role of this variant in disease. Therefore, it has been classified as a Variant of Uncertain Significance.

Women's Health and Genetics/Laboratory Corporation of America, LabCorp
Classification: Uncertain significance. Last evaluated: 2023-02-02. Review status: criteria provided, single submitter. Criteria: LabCorp Variant Classification Summary - May 2015. Collection method: clinical testing. Allele origin: germline.
Comment: Variant summary: POLG c.863G>A (p.Arg288His) results in a non-conservative amino acid change located in the DNA mitochondrial polymerase, exonuclease domain (IPR041336) of the encoded protein sequence. Three of five in-silico tools predict a benign effect of the variant on protein function. The variant allele was found at a frequency of 8.2e-06 in 244254 control chromosomes. The available data on variant occurrences in the general population are insufficient to allow any conclusion about variant significance. To our knowledge, no occurrence of c.863G>A in individuals affected with POLG-Related Spectrum Disorders and no experimental evidence demonstrating its impact on protein function have been reported. Three submitters have provided clinical-significance assessments for this variant to ClinVar after 2014, and classified the variant as uncertain significance. Based on the evidence outlined above, the variant was classified as uncertain significance.

Athena Diagnostics
Classification: Uncertain significance. Last evaluated: 2020-06-08. Review status: criteria provided, single submitter. Criteria: Athena Diagnostics Criteria. Collection method: clinical testing. Allele origin: unknown.

GeneDx
Classification: Uncertain significance. Last evaluated: 2016-10-24. Review status: criteria provided, single submitter. Criteria: GeneDx Variant Classification (06012015). Collection method: clinical testing. Allele origin: germline. Affected: yes.
Comment: A variant of uncertain significance has been identified in the POLG gene. The R288H variant has not been published as a pathogenic variant, nor has it been reported as a benign variant to our knowledge. It was not observed in approximately 6,500 individuals of European and African American ancestry in the NHLBI Exome Sequencing Project, indicating it is not a common benign variant in these populations. The R288H variant is a conservative amino acid substitution, which is not likely to impact secondary protein structure as these residues share similar properties. This substitution occurs at a position where amino acids with similar properties to Arginine are tolerated across species. In silico analysis is inconsistent in its predictions as to whether or not the variant is damaging to the protein structure/function. Based on the currently available information, it is unclear whether this variant is a pathogenic variant or a rare benign variant.